The following is an entry in ClinVar:

NM_003334.4(UBA1):c.406G>T (p.Ala136Ser)

Gene: UBA1 (ubiquitin like modifier activating enzyme 1; plus strand). Cytogenetic location: Xp11.3.
Variant type: single nucleotide variant.
Coding change: c.406G>T on transcript NM_003334.4 (MANE Select); coding-DNA position 406, G replaced by T.
Protein change: p.Ala136Ser; replaces alanine 136 with serine.
Molecular consequence: missense variant.
Genome position (GRCh38, 1-based): chrX:47,199,540, G>T. VCF-style: chrX-47199540-G-T. GRCh37 (hg19) VCF-style: chrX-47058939-G-T.
Other names: c.406G>T, p.Ala136Ser (NM_153280.3); short protein forms A136S.
Identifiers: ClinVar variation 955348 (VCV000955348.10), dbSNP rs1159180530, ClinGen allele CA412789260.
Genomic context (GRCh38, chrX:47,199,540, plus strand): 5'-TTCTACCTGCGGGAGGAGGACATCGGTAAAAACCGGGCCGAGGTATCACAGCCCCGCCTC[G>T]CTGAGCTCAACAGCTATGTGCCTGTCACTGCCTACACTGGACCCCTCGTTGAGGACTTCC-3'
Protein context (NP_003325.2, residues 126-146): NRAEVSQPRL[Ala136Ser]ELNSYVPVTA

ClinVar aggregate classification (germline): Uncertain significance. Review status: criteria provided, multiple submitters, no conflicts (2 of 4 stars). 2 submissions from 2 submitters: Uncertain significance (2). Last evaluated 2025-08-03.

Conditions:
Infantile-onset X-linked spinal muscular atrophy. Also called: Spinal muscular atrophy, X-linked 2; SPINAL MUSCULAR ATROPHY, X-LINKED LETHAL INFANTILE; Spinal Muscular Atrophy, X-Linked Infantile; AMC, DISTAL, X-LINKED; ARTHROGRYPOSIS, X-LINKED, TYPE I. Identifiers: Orphanet 1145, MedGen C1844934, MONDO:0010532, OMIM 301830.
Inborn genetic diseases. Identifiers: MedGen C0950123, MeSH D030342.

gnomAD v4.1: 9 of 1,209,772 alleles (0.00074%); highest among the groups gnomAD compares: Non-Finnish European, 0.00089%; no homozygotes.

Submissions (2):

Ambry Genetics
Classification: Uncertain significance for Inborn genetic diseases. Last evaluated: 2025-08-03. Review status: criteria provided, single submitter. Criteria: Ambry Variant Classification Scheme 2023. Collection method: clinical testing. Allele origin: germline.

Labcorp Genetics (formerly Invitae), Labcorp
Classification: Uncertain significance for Infantile-onset X-linked spinal muscular atrophy. Last evaluated: 2024-04-15. Review status: criteria provided, single submitter. Criteria: Invitae Variant Classification Sherloc (09022015). Collection method: clinical testing. Allele origin: germline.
Comment: This sequence change replaces alanine, which is neutral and non-polar, with serine, which is neutral and polar, at codon 136 of the UBA1 protein (p.Ala136Ser). This variant is present in population databases (no rsID available, gnomAD 0.01%). This variant has not been reported in the literature in individuals affected with UBA1-related conditions. ClinVar contains an entry for this variant (Variation ID: 955348). An algorithm developed to predict the effect of missense changes on protein structure and function (PolyPhen-2) suggests that this variant is likely to be tolerated. In summary, the available evidence is currently insufficient to determine the role of this variant in disease. Therefore, it has been classified as a Variant of Uncertain Significance.